The following is an entry in ClinVar:

NM_001079668.3(NKX2-1):c.536T>C (p.Val179Ala)

Genes: NKX2-1 (NK2 homeobox 1; minus strand), SFTA3 (surfactant associated 3; minus strand). Cytogenetic location: 14q13.3.
Variant type: single nucleotide variant.
Coding change: c.536T>C on transcript NM_001079668.3 (MANE Select); coding-DNA position 536, T replaced by C.
Protein change: p.Val179Ala; replaces valine 179 with alanine.
Molecular consequence: missense variant.
Genome position (GRCh38, 1-based): chr14:36,517,948, A>G on the plus strand (T>C on the coding strand, the complement: NKX2-1 is on the minus strand). VCF-style: chr14-36517948-A-G. GRCh37 (hg19) VCF-style: chr14-36987153-A-G.
Other names: c.446T>C, p.Val149Ala (NM_003317.4); short protein forms V179A, V149A.
Identifiers: ClinVar variation 3656663 (VCV003656663.2).

ClinVar aggregate classification (germline): Uncertain significance (1 of 4 stars; one submission).

Submission:

Labcorp Genetics (formerly Invitae), Labcorp
Classification: Uncertain significance. Last evaluated: 2024-06-29. Review status: criteria provided, single submitter. Criteria: Invitae Variant Classification Sherloc (09022015). Collection method: clinical testing. Allele origin: germline.
Comment: This sequence change replaces valine, which is neutral and non-polar, with alanine, which is neutral and non-polar, at codon 179 of the NKX2-1 protein (p.Val179Ala). This variant is not present in population databases (gnomAD no frequency). This variant has not been reported in the literature in individuals affected with NKX2-1-related conditions. An algorithm developed to predict the effect of missense changes on protein structure and function (PolyPhen-2) suggests that this variant is likely to be tolerated. In summary, the available evidence is currently insufficient to determine the role of this variant in disease. Therefore, it has been classified as a Variant of Uncertain Significance.